The following is an entry in ClinVar:

NM_004415.4(DSP):c.2164G>A (p.Val722Ile)

Gene: DSP (desmoplakin; plus strand). Cytogenetic location: 6p24.3.
Variant type: single nucleotide variant.
Coding change: c.2164G>A on transcript NM_004415.4 (MANE Select); coding-DNA position 2164, G replaced by A.
Protein change: p.Val722Ile; replaces valine 722 with isoleucine.
Molecular consequence: missense variant.
Genome position (GRCh38, 1-based): chr6:7,574,119, G>A. VCF-style: chr6-7574119-G-A. GRCh37 (hg19) VCF-style: chr6-7574352-G-A.
Other names: c.2164G>A, p.Val722Ile (NM_001008844.3, NM_001319034.2); short protein forms V722I.
Identifiers: ClinVar variation 1332415 (VCV001332415.4), dbSNP rs1581808686, ClinGen allele CA362680706.

ClinVar aggregate classification (germline): Uncertain significance (1 of 4 stars; one submission).

Conditions:
Cardiomyopathy (CMYO). Also called: Cardiomyopathies. Identifiers: Orphanet 167848, MedGen C0878544, MONDO:0004994, HP:0001638. Inheritance: Various modes of inheritance.

gnomAD v4.1: 2 of 1,614,094 alleles (0.00012%); highest among the groups gnomAD compares: Non-Finnish European, 0.00017%; no homozygotes.

Submission:

Color Diagnostics, LLC DBA Color Health
Classification: Uncertain significance for Cardiomyopathy. Last evaluated: 2024-03-06. Review status: criteria provided, single submitter. Criteria: ACMG Guidelines, 2015. Collection method: clinical testing. Allele origin: germline.
Comment: This missense variant replaces valine with isoleucine at codon 722 of the DSP protein. Computational prediction suggests that this variant may not impact protein structure and function (internally defined REVEL score threshold <= 0.5, PMID: 27666373). To our knowledge, functional studies have not been reported for this variant. This variant has not been reported in individuals affected with cardiovascular disorders in the literature. This variant has not been identified in the general population by the Genome Aggregation Database (gnomAD). The available evidence is insufficient to determine the role of this variant in disease conclusively. Therefore, this variant is classified as a Variant of Uncertain Significance.